The following is an entry in ClinVar:

ClinVar aggregate classification (germline): Uncertain significance. Review status: criteria provided, multiple submitters, no conflicts (2 of 4 stars). 3 submissions from 3 submitters: Uncertain significance (3). Last evaluated 2025-09-17.

Conditions:
Epilepsy, childhood absence, susceptibility to, 6. Identifiers: Orphanet 64280, MedGen C2749872, MONDO:0012763, OMIM 611942.
Hyperaldosteronism, familial, type IV (HALD4). Also called: FH IV; ALDOSTERONISM, PRIMARY, AND HYPERTENSION. Identifiers: Orphanet 642671, MedGen C4310756, MONDO:0014875, OMIM 617027.
Idiopathic generalized epilepsy. Also called: EIG; Generalised epilepsy. Identifiers: MedGen C0270850, MONDO:0005579, OMIM 600669.
Inborn genetic diseases. Identifiers: MedGen C0950123, MeSH D030342.

Allele frequency attached by ClinVar (database versions not stated): TOPMed 0.00001; gnomAD exomes 0.00002 and 0.00004; gnomAD 0.00003; ExAC 0.00005.

Submissions (3):

Labcorp Genetics (formerly Invitae), Labcorp
Classification: Uncertain significance for Idiopathic generalized epilepsy; Hyperaldosteronism, familial, type IV. Last evaluated: 2025-09-17. Review status: criteria provided, single submitter. Criteria: Invitae Variant Classification Sherloc (09022015). Collection method: clinical testing. Allele origin: germline.
Comment: This sequence change replaces methionine, which is neutral and non-polar, with valine, which is neutral and non-polar, at codon 1383 of the CACNA1H protein (p.Met1383Val). This variant is present in population databases (rs774773999, gnomAD 0.009%). This missense change has been observed in individual(s) with epilepsy (PMID: 34098317). ClinVar contains an entry for this variant (Variation ID: 661581). Invitae Evidence Modeling of protein sequence and biophysical properties (such as structural, functional, and spatial information, amino acid conservation, physicochemical variation, residue mobility, and thermodynamic stability) indicates that this missense variant is not expected to disrupt CACNA1H protein function with a negative predictive value of 80%. In summary, the available evidence is currently insufficient to determine the role of this variant in disease. Therefore, it has been classified as a Variant of Uncertain Significance.

Ambry Genetics
Classification: Uncertain significance for Inborn genetic diseases. Last evaluated: 2023-05-17. Review status: criteria provided, single submitter. Criteria: Ambry Variant Classification Scheme 2023. Collection method: clinical testing. Allele origin: germline.

Fulgent Genetics
Classification: Uncertain significance for Epilepsy, childhood absence, susceptibility to, 6; Hyperaldosteronism, familial, type IV. Last evaluated: 2022-05-22. Review status: criteria provided, single submitter. Criteria: ACMG Guidelines, 2015. Collection method: clinical testing. Allele origin: unknown.

Literature cited by the submitters: PubMed 34098317 (cited by Labcorp Genetics (formerly Invitae), Labcorp).

NM_021098.3(CACNA1H):c.4147A>G (p.Met1383Val)

Gene: CACNA1H (calcium voltage-gated channel subunit alpha1 H; plus strand). Cytogenetic location: 16p13.3.
Variant type: single nucleotide variant.
Coding change: c.4147A>G on transcript NM_021098.3 (MANE Select); coding-DNA position 4147, A replaced by G.
Protein change: p.Met1383Val; replaces methionine 1383 with valine.
Molecular consequence: missense variant.
Genome position (GRCh38, 1-based): chr16:1,210,895, A>G. VCF-style: chr16-1210895-A-G. GRCh37 (hg19) VCF-style: chr16-1260895-A-G.
Other names: c.4147A>G, p.Met1383Val (NM_001005407.2); short protein forms M1383V.
Identifiers: ClinVar variation 661581 (VCV000661581.11), dbSNP rs774773999, ClinGen allele CA7801159.